The following is an entry in ClinVar:

NM_000089.4(COL1A2):c.3106-76C>G

Gene: COL1A2 (collagen type I alpha 2 chain; plus strand). Cytogenetic location: 7q21.3.
Variant type: single nucleotide variant.
Coding change: c.3106-76C>G on transcript NM_000089.4 (MANE Select); 76 bases into the intron before coding-DNA position 3106, C replaced by G.
Molecular consequence: intron variant.
Genome position (GRCh38, 1-based): chr7:94,426,932, C>G. VCF-style: chr7-94426932-C-G. GRCh37 (hg19) VCF-style: chr7-94056244-C-G.
Identifiers: ClinVar variation 674833 (VCV000674833.2), dbSNP rs413826, ClinGen allele CA12593362.

ClinVar aggregate classification (germline): Benign. Review status: criteria provided, multiple submitters, no conflicts (2 of 4 stars). 2 submissions from 2 submitters: Benign (2). Last evaluated 2018-06-14.

Allele frequency attached by ClinVar (database versions not stated): 1000 Genomes Project 0.53874; 1000 Genomes Project 30x 0.54076; TOPMed 0.56349; gnomAD 0.57520 and 0.57615; gnomAD exomes 0.62539.
gnomAD v4.1: 831,399 of 1,344,478 alleles (62%); highest among the groups gnomAD compares: Admixed American, 66%; 260,859 homozygotes.

Submissions (2):

GeneDx
Classification: Benign. Last evaluated: 2018-06-14. Review status: criteria provided, single submitter. Criteria: GeneDx Variant Classification (06012015). Collection method: clinical testing. Allele origin: germline. Affected: yes.
Comment: This variant is considered likely benign or benign based on one or more of the following criteria: it is a conservative change, it occurs at a poorly conserved position in the protein, it is predicted to be benign by multiple in silico algorithms, and/or has population frequency not consistent with disease.

Breakthrough Genomics
Classification: Benign. Review status: criteria provided, single submitter. Criteria: ACMG Guidelines, 2015. Collection method: not provided. Allele origin: germline. Inheritance: Autosomal recessive inheritance. Affected: yes.